The following is an entry in ClinVar:

ClinVar aggregate classification (germline): Uncertain significance (1 of 4 stars; one submission).

Conditions:
Hypertrophic cardiomyopathy 14. Identifiers: MedGen C2750467, MONDO:0013197, OMIM 613251.

Submission:

Labcorp Genetics (formerly Invitae), Labcorp
Classification: Uncertain significance for Hypertrophic cardiomyopathy 14. Last evaluated: 2024-11-11. Review status: criteria provided, single submitter. Criteria: Invitae Variant Classification Sherloc (09022015). Collection method: clinical testing. Allele origin: germline.
Comment: This sequence change replaces leucine, which is neutral and non-polar, with arginine, which is basic and polar, at codon 1708 of the MYH6 protein (p.Leu1708Arg). This variant is not present in population databases (gnomAD no frequency). This variant has not been reported in the literature in individuals affected with MYH6-related conditions. Invitae Evidence Modeling of protein sequence and biophysical properties (such as structural, functional, and spatial information, amino acid conservation, physicochemical variation, residue mobility, and thermodynamic stability) indicates that this missense variant is not expected to disrupt MYH6 protein function with a negative predictive value of 80%. In summary, the available evidence is currently insufficient to determine the role of this variant in disease. Therefore, it has been classified as a Variant of Uncertain Significance.

NM_002471.4(MYH6):c.5123T>G (p.Leu1708Arg)

Genes: MYH6 (myosin heavy chain 6; minus strand), LOC126861896 (BRD4-independent group 4 enhancer GRCh37_chr14:23854904-23856103; plus strand). Cytogenetic location: 14q11.2.
Variant type: single nucleotide variant.
Coding change: c.5123T>G on transcript NM_002471.4 (MANE Select); coding-DNA position 5123, T replaced by G.
Protein change: p.Leu1708Arg; replaces leucine 1708 with arginine.
Molecular consequence: missense variant.
Genome position (GRCh38, 1-based): chr14:23,385,968, A>C on the plus strand (T>G on the coding strand, the complement: MYH6 is on the minus strand). VCF-style: chr14-23385968-A-C. GRCh37 (hg19) VCF-style: chr14-23855177-A-C.
Other names: short protein forms L1708R.
Identifiers: ClinVar variation 3713148 (VCV003713148.2).